The following is an entry in ClinVar:

ClinVar aggregate classification (germline): Uncertain significance (1 of 4 stars; one submission).

gnomAD v4.1: 2 of 1,614,228 alleles (0.00012%); highest among the groups gnomAD compares: Non-Finnish European, 0.00017%; no homozygotes.

Submission:

Labcorp Genetics (formerly Invitae), Labcorp
Classification: Uncertain significance. Last evaluated: 2025-12-01. Review status: criteria provided, single submitter. Criteria: Invitae Variant Classification Sherloc (09022015). Collection method: clinical testing. Allele origin: germline.
Comment: This sequence change creates a premature translational stop signal (p.Tyr821*) in the SLCO5A1 gene. While this is not anticipated to result in nonsense mediated decay, it is expected to disrupt the last 28 amino acid(s) of the SLCO5A1 protein. This variant is not present in population databases (gnomAD no frequency). This variant has not been reported in the literature in individuals affected with SLCO5A1-related conditions. In summary, the available evidence is currently insufficient to determine the role of this variant in disease. Therefore, it has been classified as a Variant of Uncertain Significance.

NM_030958.3(SLCO5A1):c.2463C>G (p.Tyr821Ter)

Gene: SLCO5A1 (solute carrier organic anion transporter family member 5A1; minus strand). Cytogenetic location: 8q13.3.
Variant type: single nucleotide variant.
Coding change: c.2463C>G on transcript NM_030958.3 (MANE Select); coding-DNA position 2463, C replaced by G.
Protein change: p.Tyr821Ter; replaces tyrosine 821 with a stop codon.
Molecular consequence: nonsense. On other transcripts: 3 prime UTR variant (1).
Genome position (GRCh38, 1-based): chr8:69,672,953, G>C on the plus strand (C>G on the coding strand, the complement: SLCO5A1 is on the minus strand). VCF-style: chr8-69672953-G-C. GRCh37 (hg19) VCF-style: chr8-70585188-G-C.
Other names: c.*334C>G (NM_001146008.2); c.2298C>G, p.Tyr766Ter (NM_001146009.1); short protein forms Y766*, Y821*.
Identifiers: ClinVar variation 4702837 (VCV004702837.1).
Genomic context (GRCh38, chr8:69,672,953, plus strand): 5'-GGGGCTCTCTTCCAGCCCCGGGTCCGCAGAGGAACTTATTGCTTCTGGGAAGGGCCCCGG[G>C]TAGGTCTGTGCTGCGCACTGGATCCCTTTTTGCAGGCCAGTCTCTTCGTGGAATTCTCCC-3'